The following is an entry in ClinVar:

NM_199355.4(ADAMTS18):c.3157C>T (p.Arg1053Trp)

Gene: ADAMTS18 (ADAM metallopeptidase with thrombospondin type 1 motif 18; minus strand). Cytogenetic location: 16q23.1.
Variant type: single nucleotide variant.
Coding change: c.3157C>T on transcript NM_199355.4 (MANE Select); coding-DNA position 3157, C replaced by T.
Protein change: p.Arg1053Trp; replaces arginine 1053 with tryptophan.
Molecular consequence: missense variant.
Genome position (GRCh38, 1-based): chr16:77,293,108, G>A on the plus strand (C>T on the coding strand, the complement: ADAMTS18 is on the minus strand). VCF-style: chr16-77293108-G-A. GRCh37 (hg19) VCF-style: chr16-77327005-G-A.
Other names: c.2641C>T, p.Arg881Trp (NM_001326358.2); short protein forms R1053W, R881W.
Identifiers: ClinVar variation 725287 (VCV000725287.22), dbSNP rs148703569, ClinGen allele CA8180601.

ClinVar aggregate classification (germline): Conflicting classifications of pathogenicity. Review status: criteria provided, conflicting classifications (1 of 4 stars). 8 submissions from 8 submitters: Uncertain significance (1); Benign (3); Likely benign (1). 3 of the submissions do not count toward it. Last evaluated 2026-01-27.

Conditions:
ADAMTS18-related disorder. Also called: ADAMTS18-related condition.
Microcornea-myopic chorioretinal atrophy. Also called: Microcornea, myopic chorioretinal atrophy, and telecanthus. Identifiers: Orphanet 369970, MedGen C3809567, MONDO:0014195, OMIM 615458.
Retinitis pigmentosa (RP). Identifiers: Orphanet 791, MedGen C0035334, MeSH D012174, MONDO:0019200, OMIM 268000. Inheritance: Autosomal dominant, autosomal recessive and X linked inheritance.

Allele frequency attached by ClinVar (database versions not stated): gnomAD 0.00080; ESP Exome Variant Server 0.00123; 1000 Genomes Project 30x 0.00141; ExAC 0.00152; TOPMed 0.00155; 1000 Genomes Project 0.00160; gnomAD exomes 0.00161.
gnomAD v4.1: 2,404 of 1,613,922 alleles (0.15%); highest among the groups gnomAD compares: Middle Eastern, 0.58%; 7 homozygotes.

Submissions (8):

Labcorp Genetics (formerly Invitae), Labcorp
Classification: Benign. Last evaluated: 2026-01-27. Review status: criteria provided, single submitter. Criteria: Invitae Variant Classification Sherloc (09022015). Collection method: clinical testing. Allele origin: germline.

Blueprint Genetics
Classification: Likely benign. Last evaluated: 2024-11-21. Review status: criteria provided, single submitter. Criteria: ACMG Guidelines, 2015. Collection method: clinical testing. Allele origin: germline.

DBGen Ocular Genomics
Classification: Benign for Retinitis pigmentosa. Last evaluated: 2021-05-31. Review status: criteria provided, single submitter. Criteria: ACMG Guidelines, 2015. Collection method: clinical testing. Allele origin: germline. Affected: yes. Observed: 1 variant allele.

Revvity Omics, Revvity
Classification: Uncertain significance for Microcornea-myopic chorioretinal atrophy. Last evaluated: 2019-03-29. Review status: criteria provided, single submitter. Criteria: ACMG Guidelines, 2015. Collection method: clinical testing. Allele origin: germline.

Breakthrough Genomics
Classification: Benign. Review status: criteria provided, single submitter. Criteria: ACMG Guidelines, 2015. Collection method: not provided. Allele origin: germline. Inheritance: Autosomal recessive inheritance. Affected: yes.

PreventionGenetics, part of Exact Sciences
Classification: Likely benign for ADAMTS18-related condition. Last evaluated: 2022-08-10. Review status: no assertion criteria provided. Collection method: clinical testing. Allele origin: germline. Not counted in ClinVar's aggregate classification.
Comment: This variant is classified as likely benign based on ACMG/AMP sequence variant interpretation guidelines (Richards et al. 2015 PMID: 25741868, with internal and published modifications).

Clinical Genetics DNA and cytogenetics Diagnostics Lab, Erasmus MC, Erasmus Medical Center
Classification: Uncertain significance. Review status: no assertion criteria provided. Collection method: clinical testing. Allele origin: germline. Affected: yes. Study: VKGL Data-share Consensus. Not counted in ClinVar's aggregate classification.

Clinical Genetics, Academic Medical Center
Classification: Uncertain significance. Review status: no assertion criteria provided. Collection method: clinical testing. Allele origin: germline. Affected: yes. Study: VKGL Data-share Consensus. Not counted in ClinVar's aggregate classification.